The following is an entry in ClinVar:

NM_000275.3(OCA2):c.1262_1271del (p.Arg421fs)

Gene: OCA2 (OCA2 melanosomal transmembrane protein; minus strand). Cytogenetic location: 15q13.1.
Variant type: Deletion.
Coding change: c.1262_1271del on transcript NM_000275.3 (MANE Select); coding-DNA positions 1262 to 1271, 10 bases deleted (GGGTGTGGGC; older notation c.1262_1271delGGGTGTGGGC).
Protein change: p.Arg421fs; shifts the reading frame from arginine 421.
Molecular consequence: frameshift variant.
Genome position (GRCh38, 1-based): chr15:27,985,157-27,985,166, GCCCACACCC deleted on the plus strand (GGGTGTGGGC on the coding strand, the reverse complement: OCA2 is on the minus strand); deleting any 10 consecutive bases within chr15:27,985,157-27,985,167 gives the same sequence; the c. name uses the placement nearest the transcript's 3' end. VCF-style (leftmost placement, unchanged base first): chr15-27985156-GGCCCACACCC-G. GRCh37 (hg19) VCF-style: chr15-28230302-GGCCCACACCC-G.
Other names: c.1190_1199del, p.Arg397fs (NM_001300984.2); short protein forms R397fs, R421fs.
Identifiers: ClinVar variation 2863854 (VCV002863854.3), dbSNP rs2548345604, ClinGen allele CA2739277915.

ClinVar aggregate classification (germline): Pathogenic (1 of 4 stars; one submission).

Submission:

Labcorp Genetics (formerly Invitae), Labcorp
Classification: Pathogenic. Last evaluated: 2023-05-13. Review status: criteria provided, single submitter. Criteria: Invitae Variant Classification Sherloc (09022015). Collection method: clinical testing. Allele origin: germline.
Comment: This sequence change creates a premature translational stop signal (p.Arg421Profs*2) in the OCA2 gene. It is expected to result in an absent or disrupted protein product. Loss-of-function variants in OCA2 are known to be pathogenic (PMID: 19865097, 21541274). This variant is not present in population databases (gnomAD no frequency). This variant has not been reported in the literature in individuals affected with OCA2-related conditions. For these reasons, this variant has been classified as Pathogenic.

Literature cited by the submitters: PubMed 19865097; PubMed 21541274.